The following is an entry in ClinVar:

ClinVar aggregate classification (germline): Benign/Likely benign. Review status: criteria provided, multiple submitters, no conflicts (2 of 4 stars). 3 submissions from 3 submitters: Benign (1); Likely benign (2). Last evaluated 2024-04-04.

Conditions:
Familial adenomatous polyposis 1 (FAP1). Also called: FAMILIAL ADENOMATOUS POLYPOSIS 1, ATTENUATED; POLYPOSIS, ADENOMATOUS INTESTINAL. Identifiers: MedGen C2713442, MONDO:0021056, OMIM 175100. Disease mechanism: loss of function.
Hereditary cancer-predisposing syndrome. Also called: Neoplastic Syndromes, Hereditary; Tumor predisposition; Hereditary Cancer Syndrome; Hereditary neoplastic syndrome. Identifiers: Orphanet 140162, MedGen C0027672, MeSH D009386, MONDO:0015356.

Submissions (3):

Myriad Genetics, Inc.
Classification: Benign for Familial adenomatous polyposis 1. Last evaluated: 2024-04-04. Review status: criteria provided, single submitter. Criteria: Myriad Autosomal Dominant, Autosomal Recessive and X-Linked Classification Criteria (2023). Collection method: clinical testing. Allele origin: unknown.
Comment: This variant is considered benign. This variant is a silent/synonymous amino acid change and it is not expected to impact splicing.

Labcorp Genetics (formerly Invitae), Labcorp
Classification: Likely benign for Familial adenomatous polyposis 1. Last evaluated: 2018-03-25. Review status: criteria provided, single submitter. Criteria: Invitae Variant Classification Sherloc (09022015). Collection method: clinical testing. Allele origin: germline.

Ambry Genetics
Classification: Likely benign for Hereditary cancer-predisposing syndrome. Last evaluated: 2016-08-02. Review status: criteria provided, single submitter. Criteria: Ambry Variant Classification Scheme 2023. Collection method: clinical testing. Allele origin: germline.

NM_000038.6(APC):c.6471A>G (p.Lys2157=)

Gene: APC (APC regulator of Wnt signaling pathway; plus strand). Cytogenetic location: 5q22.2.
Variant type: single nucleotide variant.
Coding change: c.6471A>G on transcript NM_000038.6 (MANE Select); coding-DNA position 6471, A replaced by G.
Protein change: p.Lys2157=; no amino-acid change (lysine 2157 retained).
Molecular consequence: synonymous variant.
Genome position (GRCh38, 1-based): chr5:112,842,065, A>G. VCF-style: chr5-112842065-A-G. GRCh37 (hg19) VCF-style: chr5-112177762-A-G.
Other names: c.6471A>G, p.Lys2157= (NM_001127510.3, NM_001354895.2); c.6417A>G, p.Lys2139= (NM_001127511.3); c.6525A>G, p.Lys2175= (NM_001354896.2); c.6501A>G, p.Lys2167= (NM_001354897.2); c.6396A>G, p.Lys2132= (NM_001354898.2); c.6387A>G, p.Lys2129= (NM_001354899.2); c.6348A>G, p.Lys2116= (NM_001354900.2); c.6294A>G, p.Lys2098= (NM_001354901.2); and 5 more.
Identifiers: ClinVar variation 485115 (VCV000485115.16), dbSNP rs1554087444, ClinGen allele CA446210552.